The following is an entry in ClinVar:

ClinVar aggregate classification (germline): Uncertain significance (1 of 4 stars; one submission).

Conditions:
Oligodontia-cancer predisposition syndrome. Also called: TOOTH AGENESIS-COLORECTAL CANCER SYNDROME. Identifiers: Orphanet 300576, MedGen C1837750, MONDO:0012075, OMIM 608615. Disease mechanism: loss of function.

Submission:

Labcorp Genetics (formerly Invitae), Labcorp
Classification: Uncertain significance for Oligodontia-cancer predisposition syndrome. Last evaluated: 2024-03-02. Review status: criteria provided, single submitter. Criteria: Invitae Variant Classification Sherloc (09022015). Collection method: clinical testing. Allele origin: germline.
Comment: This sequence change replaces arginine, which is basic and polar, with serine, which is neutral and polar, at codon 675 of the AXIN2 protein (p.Arg675Ser). This variant is not present in population databases (gnomAD no frequency). This variant has not been reported in the literature in individuals affected with AXIN2-related conditions. An algorithm developed to predict the effect of missense changes on protein structure and function (PolyPhen-2) suggests that this variant is likely to be tolerated. In summary, the available evidence is currently insufficient to determine the role of this variant in disease. Therefore, it has been classified as a Variant of Uncertain Significance.

NM_004655.4(AXIN2):c.2023C>A (p.Arg675Ser)

Gene: AXIN2 (axin 2; minus strand). Cytogenetic location: 17q24.1.
Variant type: single nucleotide variant.
Coding change: c.2023C>A on transcript NM_004655.4 (MANE Select); coding-DNA position 2023, C replaced by A.
Protein change: p.Arg675Ser; replaces arginine 675 with serine.
Molecular consequence: missense variant.
Genome position (GRCh38, 1-based): chr17:65,536,438, G>T on the plus strand (C>A on the coding strand, the complement: AXIN2 is on the minus strand). VCF-style: chr17-65536438-G-T. GRCh37 (hg19) VCF-style: chr17-63532556-G-T.
Other names: c.1828C>A, p.Arg610Ser (NM_001363813.1); short protein forms R675S, R610S.
Identifiers: ClinVar variation 3644140 (VCV003644140.2).